The following is an entry in ClinVar:

ClinVar aggregate classification (germline): Uncertain significance (1 of 4 stars; one submission).

gnomAD v4.1: 2 of 1,613,050 alleles (0.00012%); highest among the groups gnomAD compares: African/African-American, 0.0013%; no homozygotes.

Submission:

Labcorp Genetics (formerly Invitae), Labcorp
Classification: Uncertain significance. Last evaluated: 2025-06-09. Review status: criteria provided, single submitter. Criteria: Invitae Variant Classification Sherloc (09022015). Collection method: clinical testing. Allele origin: germline.
Comment: This sequence change replaces valine, which is neutral and non-polar, with leucine, which is neutral and non-polar, at codon 346 of the CHRM2 protein (p.Val346Leu). This variant is present in population databases (no rsID available, gnomAD 0.01%). This variant has not been reported in the literature in individuals affected with CHRM2-related conditions. ClinVar contains an entry for this variant (Variation ID: 478112). An algorithm developed to predict the effect of missense changes on protein structure and function outputs the following: PolyPhen-2: "Benign". The leucine amino acid residue is found in multiple mammalian species, which suggests that this missense change does not adversely affect protein function. In summary, the available evidence is currently insufficient to determine the role of this variant in disease. Therefore, it has been classified as a Variant of Uncertain Significance.

NM_001006630.2(CHRM2):c.1036G>T (p.Val346Leu)

Genes: CHRM2 (cholinergic receptor muscarinic 2; plus strand), LOC349160 (uncharacterized LOC349160; minus strand). Cytogenetic location: 7q33.
Variant type: single nucleotide variant.
Coding change: c.1036G>T on transcript NM_001006630.2 (MANE Select); coding-DNA position 1036, G replaced by T.
Protein change: p.Val346Leu; replaces valine 346 with leucine.
Molecular consequence: missense variant.
Genome position (GRCh38, 1-based): chr7:137,015,901, G>T. VCF-style: chr7-137015901-G-T. GRCh37 (hg19) VCF-style: chr7-136700648-G-T.
Other names: c.1036G>T, p.Val346Leu (NM_000739.3, NM_001006626.3, NM_001006627.3 and 6 more transcripts); short protein forms V346L.
Identifiers: ClinVar variation 478112 (VCV000478112.8), dbSNP rs1455067791, ClinGen allele CA369487826.